The following is an entry in ClinVar:

ClinVar aggregate classification (germline): Uncertain significance. Review status: criteria provided, multiple submitters, no conflicts (2 of 4 stars). 2 submissions from 2 submitters: Uncertain significance (2). Last evaluated 2025-08-26.

Conditions:
Inborn genetic diseases. Identifiers: MedGen C0950123, MeSH D030342.
Autosomal recessive distal spinal muscular atrophy 1. Also called: SEVERE INFANTILE AXONAL NEUROPATHY WITH RESPIRATORY FAILURE; SPINAL MUSCULAR ATROPHY, DIAPHRAGMATIC; NEURONOPATHY, SEVERE INFANTILE AXONAL, WITH RESPIRATORY FAILURE; Spinal muscular atrophy with respiratory distress 1; NEURONOPATHY, DISTAL HEREDITARY MOTOR, HARDING TYPE VI; NEUROPATHY, DISTAL HEREDITARY MOTOR, AUTOSOMAL RECESSIVE 1. Identifiers: Orphanet 98920, MedGen C1858517, MONDO:0011436, OMIM 604320.
Charcot-Marie-Tooth disease axonal type 2S. Also called: CHARCOT-MARIE-TOOTH NEUROPATHY, TYPE 2S; CHARCOT-MARIE-TOOTH DISEASE, AXONAL, AUTOSOMAL RECESSIVE, TYPE 2S. Identifiers: Orphanet 443073, MedGen C4015349, MONDO:0014511, OMIM 616155.

Allele frequency attached by ClinVar (database versions not stated): gnomAD exomes 0.00001 and 0.00002; gnomAD 0.00002 and 0.00003; TOPMed 0.00002; ExAC 0.00004; ESP Exome Variant Server 0.00008.
gnomAD v4.1: 20 of 1,610,412 alleles (0.0012%); highest among the groups gnomAD compares: East Asian, 0.0067%; no homozygotes.

Submissions (2):

Ambry Genetics
Classification: Uncertain significance for Inborn genetic diseases. Last evaluated: 2025-08-26. Review status: criteria provided, single submitter. Criteria: Ambry Variant Classification Scheme 2023. Collection method: clinical testing. Allele origin: germline.

Labcorp Genetics (formerly Invitae), Labcorp
Classification: Uncertain significance for Autosomal recessive distal spinal muscular atrophy 1; Charcot-Marie-Tooth disease axonal type 2S. Last evaluated: 2021-08-28. Review status: criteria provided, single submitter. Criteria: Invitae Variant Classification Sherloc (09022015). Collection method: clinical testing. Allele origin: germline.
Comment: This sequence change replaces valine with isoleucine at codon 518 of the IGHMBP2 protein (p.Val518Ile). The valine residue is highly conserved and there is a small physicochemical difference between valine and isoleucine. This variant is present in population databases (rs373828321, ExAC 0.01%). This variant has not been reported in the literature in individuals affected with IGHMBP2-related conditions. Algorithms developed to predict the effect of missense changes on protein structure and function are either unavailable or do not agree on the potential impact of this missense change (SIFT: "Tolerated"; PolyPhen-2: "Probably Damaging"; Align-GVGD: "Class C0"). In summary, the available evidence is currently insufficient to determine the role of this variant in disease. Therefore, it has been classified as a Variant of Uncertain Significance.

NM_002180.3(IGHMBP2):c.1552G>A (p.Val518Ile)

Genes: IGHMBP2 (immunoglobulin mu DNA binding protein 2; plus strand), LOC126861245 (CDK7 strongly-dependent group 2 enhancer GRCh37_chr11:68701479-68702678; plus strand). Cytogenetic location: 11q13.3.
Variant type: single nucleotide variant.
Coding change: c.1552G>A on transcript NM_002180.3 (MANE Select); coding-DNA position 1552, G replaced by A.
Protein change: p.Val518Ile; replaces valine 518 with isoleucine.
Molecular consequence: missense variant.
Genome position (GRCh38, 1-based): chr11:68,934,478, G>A. VCF-style: chr11-68934478-G-A. GRCh37 (hg19) VCF-style: chr11-68701946-G-A.
Other names: short protein forms V518I.
Identifiers: ClinVar variation 649040 (VCV000649040.9), dbSNP rs373828321, ClinGen allele CA6153702.